The following is an entry in ClinVar:

ClinVar aggregate classification (germline): Uncertain significance (1 of 4 stars; one submission).

Conditions:
Deafness-lymphedema-leukemia syndrome. Also called: Lymphedema, primary, with myelodysplasia; Emberger syndrome. Identifiers: Orphanet 3226, MedGen C3279664, MONDO:0013540, OMIM 614038.
Monocytopenia with susceptibility to infections. Also called: Dendritic cell, monocyte, B lymphocyte, and natural killer lymphocyte deficiency; MONOCYTOPENIA AND MYCOBACTERIAL INFECTION SYNDROME; MONOCYTOPENIA WITH SUSCEPTIBILITY TO MYCOBACTERIAL, FUNGAL, AND PAPILLOMAVIRUS INFECTIONS AND MYELODYSPLASIA; COMBINED IMMUNODEFICIENCY WITH SUSCEPTIBILITY TO MYCOBACTERIAL, VIRAL, AND FUNGAL INFECTIONS; IMMUNODEFICIENCY 21; GATA2 DEFICIENCY. Identifiers: Orphanet 228423, MedGen C3280030, MONDO:0013607, OMIM 614172.

Submission:

Labcorp Genetics (formerly Invitae), Labcorp
Classification: Uncertain significance for Monocytopenia with susceptibility to infections; Deafness-lymphedema-leukemia syndrome. Last evaluated: 2022-10-24. Review status: criteria provided, single submitter. Criteria: Invitae Variant Classification Sherloc (09022015). Collection method: clinical testing. Allele origin: germline.
Comment: In summary, the available evidence is currently insufficient to determine the role of this variant in disease. Therefore, it has been classified as a Variant of Uncertain Significance. Advanced modeling of protein sequence and biophysical properties (such as structural, functional, and spatial information, amino acid conservation, physicochemical variation, residue mobility, and thermodynamic stability) has been performed at Invitae for this missense variant, however the output from this modeling did not meet the statistical confidence thresholds required to predict the impact of this variant on GATA2 protein function. ClinVar contains an entry for this variant (Variation ID: 851076). This variant has not been reported in the literature in individuals affected with GATA2-related conditions. This variant is not present in population databases (gnomAD no frequency). This sequence change replaces serine, which is neutral and polar, with cysteine, which is neutral and slightly polar, at codon 122 of the GATA2 protein (p.Ser122Cys).

NM_032638.5(GATA2):c.365C>G (p.Ser122Cys)

Gene: GATA2 (GATA binding protein 2; minus strand). Cytogenetic location: 3q21.3.
Variant type: single nucleotide variant.
Coding change: c.365C>G on transcript NM_032638.5 (MANE Select); coding-DNA position 365, C replaced by G.
Protein change: p.Ser122Cys; replaces serine 122 with cysteine.
Molecular consequence: missense variant.
Genome position (GRCh38, 1-based): chr3:128,486,233, G>C on the plus strand (C>G on the coding strand, the complement: GATA2 is on the minus strand). VCF-style: chr3-128486233-G-C. GRCh37 (hg19) VCF-style: chr3-128205076-G-C.
Other names: c.365C>G, p.Ser122Cys (NM_001145661.2, NM_001145662.1); short protein forms S122C.
Identifiers: ClinVar variation 851076 (VCV000851076.9), dbSNP rs2068697462, ClinGen allele CA354407096.